The following is an entry in ClinVar:

NM_025114.4(CEP290):c.4195-1G>T

Gene: CEP290 (centrosomal protein 290; minus strand). Cytogenetic location: 12q21.32.
Variant type: single nucleotide variant.
Coding change: c.4195-1G>T on transcript NM_025114.4 (MANE Select); the canonical splice acceptor site of the intron before coding-DNA position 4195, G replaced by T.
Molecular consequence: splice acceptor variant.
Genome position (GRCh38, 1-based): chr12:88,086,499, C>A on the plus strand (G>T on the coding strand, the complement: CEP290 is on the minus strand). VCF-style: chr12-88086499-C-A. GRCh37 (hg19) VCF-style: chr12-88480276-C-A.
Identifiers: ClinVar variation 1074738 (VCV001074738.9), dbSNP rs751807811, ClinGen allele CA385997799.

ClinVar aggregate classification (germline): Pathogenic (1 of 4 stars; one submission).

Conditions:
Joubert syndrome. Also called: Familial aplasia of the vermis; CEREBELLOPARENCHYMAL DISORDER IV; JOUBERT-BOLTSHAUSER SYNDROME. Identifiers: Orphanet 475, MedGen C5979921, MONDO:0018772.
Meckel-Gruber syndrome. Also called: Dysencephalia splachnocystica; DYSENCEPHALIA SPLANCHNOCYSTICA; GRUBER SYNDROME. Identifiers: Orphanet 564, MedGen C0265215, MONDO:0018921.
Nephronophthisis. Also called: Juvenile Nephronophthisis. Identifiers: Orphanet 655, MedGen C0687120, MONDO:0019005, HP:0000090.

Submission:

Labcorp Genetics (formerly Invitae), Labcorp
Classification: Pathogenic for Joubert syndrome; Meckel-Gruber syndrome; Nephronophthisis. Last evaluated: 2021-01-12. Review status: criteria provided, single submitter. Criteria: Invitae Variant Classification Sherloc (09022015). Collection method: clinical testing. Allele origin: germline.
Comment: For these reasons, this variant has been classified as Pathogenic. This sequence change affects an acceptor splice site in intron 32 of the CEP290 gene. It is expected to disrupt RNA splicing and likely results in an absent or disrupted protein product. This variant is not present in population databases (ExAC no frequency). Disruption of this splice site has been observed in individual(s) with CEP290-related conditions (PMID: 25356976, 29261186). Algorithms developed to predict the effect of sequence changes on RNA splicing suggest that this variant may disrupt the consensus splice site, but this prediction has not been confirmed by published transcriptional studies. Donor and acceptor splice site variants typically lead to a loss of protein function (PMID: 16199547), and loss-of-function variants in CEP290 are known to be pathogenic (PMID: 16909394, 17345604, 20690115, 25377065, 28559085).

Literature cited by the submitters: PubMed 25356976; PubMed 29261186; PubMed 16199547; PubMed 16909394; PubMed 17345604; PubMed 20690115; PubMed 25377065; PubMed 28559085.